The following is an entry in ClinVar:

ClinVar aggregate classification (germline): Uncertain significance (1 of 4 stars; one submission).

Submission:

Labcorp Genetics (formerly Invitae), Labcorp
Classification: Uncertain significance. Last evaluated: 2024-08-04. Review status: criteria provided, single submitter. Criteria: Invitae Variant Classification Sherloc (09022015). Collection method: clinical testing. Allele origin: germline.
Comment: This sequence change replaces glutamic acid, which is acidic and polar, with lysine, which is basic and polar, at codon 34 of the PPOX protein (p.Glu34Lys). This variant is not present in population databases (gnomAD no frequency). This missense change has been observed in individual(s) with clinical features of variegate porphyria (Invitae). ClinVar contains an entry for this variant (Variation ID: 943820). Advanced modeling of protein sequence and biophysical properties (such as structural, functional, and spatial information, amino acid conservation, physicochemical variation, residue mobility, and thermodynamic stability) performed at Invitae indicates that this missense variant is expected to disrupt PPOX protein function with a positive predictive value of 80%. This variant disrupts the p.Glu34 amino acid residue in PPOX. Other variant(s) that disrupt this residue have been observed in individuals with PPOX-related conditions (PMID: 18570668, 23430901), which suggests that this may be a clinically significant amino acid residue. In summary, the available evidence is currently insufficient to determine the role of this variant in disease. Therefore, it has been classified as a Variant of Uncertain Significance.

Literature cited by the submitters: PubMed 18570668; PubMed 23430901.

NM_001122764.3(PPOX):c.100G>A (p.Glu34Lys)

Gene: PPOX (protoporphyrinogen oxidase; plus strand). Cytogenetic location: 1q23.3.
Variant type: single nucleotide variant.
Coding change: c.100G>A on transcript NM_001122764.3 (MANE Select); coding-DNA position 100, G replaced by A.
Protein change: p.Glu34Lys; replaces glutamic acid 34 with lysine.
Molecular consequence: missense variant. On other transcripts: 5 prime UTR variant (5).
Genome position (GRCh38, 1-based): chr1:161,167,112, G>A. VCF-style: chr1-161167112-G-A. GRCh37 (hg19) VCF-style: chr1-161136902-G-A.
Other names: c.100G>A, p.Glu34Lys (NM_000309.5, NM_001350128.2, NM_001365398.1 and 1 more transcripts); c.-328G>A (NM_001350129.2); c.-419G>A (NM_001350130.2); c.-305G>A (NM_001350131.2); c.-212G>A (NM_001365400.1); c.-271G>A (NM_001365401.1); short protein forms E34K.
Identifiers: ClinVar variation 943820 (VCV000943820.9), dbSNP rs1659269072, ClinGen allele CA343351017.
Genomic context (GRCh38, chr1:161,167,112, plus strand): 5'-GCCGGCGGCTACAGGCGGTGCTGCAGTGTCTCTCCCTCTTGTCGCCAGGTGGTCCTAGTG[G>A]AGAGCAGTGAGCGTCTGGGAGGCTGGATTCGCTCCGTTCGAGGCCCTAATGGTGCTATCT-3'
Protein context (NP_001116236.1, residues 24-44): APCPPKVVLV[Glu34Lys]SSERLGGWIR